The following is an entry in ClinVar:

ClinVar aggregate classification (germline): Uncertain significance (1 of 4 stars; one submission).

Allele frequency attached by ClinVar (database versions not stated): gnomAD exomes below 0.00001; gnomAD 0.00001; TOPMed 0.00001.
gnomAD v4.1: 5 of 1,021,604 alleles (0.00049%); highest among the groups gnomAD compares: Non-Finnish European, 0.00058%; no homozygotes.

Submission:

Labcorp Genetics (formerly Invitae), Labcorp
Classification: Uncertain significance. Last evaluated: 2023-06-04. Review status: criteria provided, single submitter. Criteria: Invitae Variant Classification Sherloc (09022015). Collection method: clinical testing. Allele origin: germline.
Comment: An algorithm developed to predict the effect of missense changes on protein structure and function (PolyPhen-2) suggests that this variant is likely to be tolerated. This sequence change replaces proline, which is neutral and non-polar, with histidine, which is basic and polar, at codon 20 of the NR2F1 protein (p.Pro20His). The frequency data for this variant in the population databases is considered unreliable, as metrics indicate insufficient coverage at this position in the gnomAD database. This variant has not been reported in the literature in individuals affected with NR2F1-related conditions. In summary, the available evidence is currently insufficient to determine the role of this variant in disease. Therefore, it has been classified as a Variant of Uncertain Significance.

NM_005654.6(NR2F1):c.59C>A (p.Pro20His)

Genes: NR2F1 (nuclear receptor subfamily 2 group F member 1; plus strand), NR2F1-AS1 (NR2F1 regulatory antisense RNA 1; minus strand). Cytogenetic location: 5q15.
Variant type: single nucleotide variant.
Coding change: c.59C>A on transcript NM_005654.6 (MANE Select); coding-DNA position 59, C replaced by A.
Protein change: p.Pro20His; replaces proline 20 with histidine.
Molecular consequence: missense variant.
Genome position (GRCh38, 1-based): chr5:93,585,082, C>A. VCF-style: chr5-93585082-C-A. GRCh37 (hg19) VCF-style: chr5-92920788-C-A.
Other names: short protein forms P20H.
Identifiers: ClinVar variation 2894680 (VCV002894680.3), dbSNP rs1753204907, ClinGen allele CA360525440.